The following is an entry in ClinVar:

ClinVar aggregate classification (germline): Uncertain significance. Review status: criteria provided, multiple submitters, no conflicts (2 of 4 stars). 2 submissions from 2 submitters: Uncertain significance (2). Last evaluated 2024-10-06.

Conditions:
Primary familial hypertrophic cardiomyopathy (HCM). Identifiers: Orphanet 99739, MedGen C0949658, MeSH D024741, MONDO:0024573. Inheritance: Various modes of inheritance.

Allele frequency attached by ClinVar (database versions not stated): ExAC 0.00001; gnomAD exomes 0.00001; TOPMed 0.00001.
gnomAD v4.1: 23 of 1,614,150 alleles (0.0014%); highest among the groups gnomAD compares: Non-Finnish European, 0.0018%; no homozygotes.

Submissions (2):

Labcorp Genetics (formerly Invitae), Labcorp
Classification: Uncertain significance for Primary familial hypertrophic cardiomyopathy. Last evaluated: 2024-10-06. Review status: criteria provided, single submitter. Criteria: Invitae Variant Classification Sherloc (09022015). Collection method: clinical testing. Allele origin: germline.
Comment: This sequence change replaces tryptophan, which is neutral and slightly polar, with cysteine, which is neutral and slightly polar, at codon 212 of the ILK protein (p.Trp212Cys). This variant is present in population databases (rs758462999, gnomAD 0.0009%). This variant has not been reported in the literature in individuals affected with ILK-related conditions. ClinVar contains an entry for this variant (Variation ID: 1036458). An algorithm developed to predict the effect of missense changes on protein structure and function (PolyPhen-2) suggests that this variant is likely to be disruptive. In summary, the available evidence is currently insufficient to determine the role of this variant in disease. Therefore, it has been classified as a Variant of Uncertain Significance.

Ambry Genetics
Classification: Uncertain significance. Last evaluated: 2024-07-28. Review status: criteria provided, single submitter. Criteria: Ambry Variant Classification Scheme 2023. Collection method: clinical testing. Allele origin: germline.
Comment: The p.W212C variant (also known as c.636G>T), located in coding exon 7 of the ILK gene, results from a G to T substitution at nucleotide position 636. The tryptophan at codon 212 is replaced by cysteine, an amino acid with highly dissimilar properties. This amino acid position is conserved. In addition, this alteration is predicted to be deleterious by in silico analysis. Based on the available evidence, the clinical significance of this variant remains unclear.

NM_004517.4(ILK):c.636G>T (p.Trp212Cys)

Genes: TAF10 (TATA-box binding protein associated factor 10; minus strand), ILK (integrin linked kinase; plus strand). Cytogenetic location: 11p15.4.
Variant type: single nucleotide variant.
Coding change: c.636G>T on transcript NM_004517.4 (MANE Select); coding-DNA position 636, G replaced by T.
Protein change: p.Trp212Cys; replaces tryptophan 212 with cysteine.
Molecular consequence: missense variant. On other transcripts: 3 prime UTR variant (1).
Genome position (GRCh38, 1-based): chr11:6,609,316, G>T. VCF-style: chr11-6609316-G-T. GRCh37 (hg19) VCF-style: chr11-6630547-G-T.
Other names: c.453G>T, p.Trp151Cys (NM_001278441.2); c.234G>T, p.Trp78Cys (NM_001278442.2); c.*1606C>A (NM_006284.4); c.636G>T, p.Trp212Cys (NM_001014794.3, NM_001014795.3); short protein forms W78C, W151C, W212C.
Identifiers: ClinVar variation 1036458 (VCV001036458.10), dbSNP rs758462999, ClinGen allele CA5858137.